The following is an entry in ClinVar:

NM_000379.4(XDH):c.3737G>A (p.Arg1246His)

Gene: XDH (xanthine dehydrogenase; minus strand). Cytogenetic location: 2p23.1.
Variant type: single nucleotide variant.
Coding change: c.3737G>A on transcript NM_000379.4 (MANE Select); coding-DNA position 3737, G replaced by A.
Protein change: p.Arg1246His; replaces arginine 1246 with histidine.
Molecular consequence: missense variant.
Genome position (GRCh38, 1-based): chr2:31,339,526, C>T on the plus strand (G>A on the coding strand, the complement: XDH is on the minus strand). VCF-style: chr2-31339526-C-T. GRCh37 (hg19) VCF-style: chr2-31562392-C-T.
Other names: short protein forms R1246H.
Identifiers: ClinVar variation 1409637 (VCV001409637.6), dbSNP rs140606023, ClinGen allele CA1598288.

ClinVar aggregate classification (germline): Uncertain significance. Review status: criteria provided, multiple submitters, no conflicts (2 of 4 stars). 2 submissions from 2 submitters: Uncertain significance (2). Last evaluated 2024-04-22.

Conditions:
Xanthinuria type II. Also called: Xanthine dehydrogenase and aldehyde oxidase combined deficiency of; XDH and AOX dual deficiency. Identifiers: Orphanet 3467, Orphanet 93602, MedGen C1863688, MONDO:0011346, OMIM 603592.
Hereditary xanthinuria type 1 (XAN1). Identifiers: Orphanet 3467, Orphanet 93601, MedGen C0268118, MONDO:0010209, OMIM 278300.

Allele frequency attached by ClinVar (database versions not stated): gnomAD exomes 0.00008 and 0.00016; ExAC 0.00013; gnomAD 0.00019 and 0.00020; TOPMed 0.00020; ESP Exome Variant Server 0.00023.
gnomAD v4.1: 267 of 1,614,188 alleles (0.017%); highest among the groups gnomAD compares: African/African-American, 0.028%; no homozygotes.

Submissions (2):

Fulgent Genetics
Classification: Uncertain significance for Hereditary xanthinuria type 1. Last evaluated: 2024-04-22. Review status: criteria provided, single submitter. Criteria: ACMG Guidelines, 2015. Collection method: clinical testing. Allele origin: germline.

Labcorp Genetics (formerly Invitae), Labcorp
Classification: Uncertain significance for Xanthinuria type II. Last evaluated: 2021-08-31. Review status: criteria provided, single submitter. Criteria: Invitae Variant Classification Sherloc (09022015). Collection method: clinical testing. Allele origin: germline.
Comment: This sequence change replaces arginine with histidine at codon 1246 of the XDH protein (p.Arg1246His). The arginine residue is highly conserved and there is a small physicochemical difference between arginine and histidine. This variant is present in population databases (rs140606023, ExAC 0.04%). This variant has not been reported in the literature in individuals affected with XDH-related conditions. Algorithms developed to predict the effect of missense changes on protein structure and function (SIFT, PolyPhen-2, Align-GVGD) all suggest that this variant is likely to be tolerated. In summary, the available evidence is currently insufficient to determine the role of this variant in disease. Therefore, it has been classified as a Variant of Uncertain Significance.